The following is an entry in ClinVar:

NM_015474.4(SAMHD1):c.173G>A (p.Gly58Asp)

Gene: SAMHD1 (SAM and HD domain containing deoxynucleoside triphosphate triphosphohydrolase 1; minus strand). Cytogenetic location: 20q11.23.
Variant type: single nucleotide variant.
Coding change: c.173G>A on transcript NM_015474.4 (MANE Select); coding-DNA position 173, G replaced by A.
Protein change: p.Gly58Asp; replaces glycine 58 with aspartic acid.
Molecular consequence: missense variant.
Genome position (GRCh38, 1-based): chr20:36,951,471, C>T on the plus strand (G>A on the coding strand, the complement: SAMHD1 is on the minus strand). VCF-style: chr20-36951471-C-T. GRCh37 (hg19) VCF-style: chr20-35579874-C-T.
Other names: c.173G>A, p.Gly58Asp (NM_001363729.2, NM_001363733.2); short protein forms G58D.
Identifiers: ClinVar variation 1372210 (VCV001372210.6), dbSNP rs1568788278, ClinGen allele CA408831994.

ClinVar aggregate classification (germline): Uncertain significance (1 of 4 stars; one submission).

Conditions:
Aicardi-Goutieres syndrome 5. Identifiers: Orphanet 51, MedGen C2749659, MONDO:0013059, OMIM 612952.

Allele frequency attached by ClinVar (database versions not stated): gnomAD exomes below 0.00001; gnomAD 0.00001.
gnomAD v4.1: 3 of 1,614,024 alleles (0.00019%); highest among the groups gnomAD compares: African/African-American, 0.0027%; no homozygotes.

Submission:

Labcorp Genetics (formerly Invitae), Labcorp
Classification: Uncertain significance for Aicardi-Goutieres syndrome 5. Last evaluated: 2021-08-03. Review status: criteria provided, single submitter. Criteria: Invitae Variant Classification Sherloc (09022015). Collection method: clinical testing. Allele origin: germline.
Comment: This sequence change replaces glycine with aspartic acid at codon 58 of the SAMHD1 protein (p.Gly58Asp). The glycine residue is moderately conserved and there is a moderate physicochemical difference between glycine and aspartic acid. This variant is not present in population databases (ExAC no frequency). This variant has not been reported in the literature in individuals affected with SAMHD1-related conditions. Algorithms developed to predict the effect of missense changes on protein structure and function output the following: SIFT: "Deleterious"; PolyPhen-2: "Probably Damaging"; Align-GVGD: "Class C0". The aspartic acid amino acid residue is found in multiple mammalian species, which suggests that this missense change does not adversely affect protein function. In summary, the available evidence is currently insufficient to determine the role of this variant in disease. Therefore, it has been classified as a Variant of Uncertain Significance.